The following is an entry in ClinVar:

NM_000975.5(RPL11):c.396+9A>G

Gene: RPL11 (ribosomal protein L11; plus strand). Cytogenetic location: 1p36.11.
Variant type: single nucleotide variant.
Coding change: c.396+9A>G on transcript NM_000975.5 (MANE Select); 9 bases into the intron after coding-DNA position 396, A replaced by G.
Molecular consequence: intron variant.
Genome position (GRCh38, 1-based): chr1:23,694,800, A>G. VCF-style: chr1-23694800-A-G. GRCh37 (hg19) VCF-style: chr1-24021290-A-G.
Other names: c.393+9A>G (NM_001199802.1).
Identifiers: ClinVar variation 695512 (VCV000695512.19), dbSNP rs201786327, ClinGen allele CA684269.

ClinVar aggregate classification (germline): Conflicting classifications of pathogenicity. Review status: criteria provided, conflicting classifications (1 of 4 stars). 5 submissions from 5 submitters: Uncertain significance (1); Benign (2); Likely benign (2). Last evaluated 2026-01-06.

Conditions:
Diamond-Blackfan anemia 7 (DBA7). Also called: RPL11-Related Diamond-Blackfan Anemia. Identifiers: Orphanet 124, MedGen C2675512, MONDO:0012938, OMIM 612562.
Diamond-Blackfan anemia. Also called: Blackfan Diamond syndrome; Aregenerative anemia chronic congenital; Red cell aplasia, pure hereditary; Congenital hypoplastic anemia; Aase syndrome. Identifiers: Orphanet 124, MedGen C1260899, MeSH D029503, MONDO:0015253, HP:0004810.

Allele frequency attached by ClinVar (database versions not stated): TOPMed 0.00039; gnomAD exomes 0.00047 and 0.00060; gnomAD 0.00058; ExAC 0.00060; ESP Exome Variant Server 0.00077.
gnomAD v4.1: 750 of 1,614,172 alleles (0.046%); highest among the groups gnomAD compares: Non-Finnish European, 0.054%; no homozygotes.

Submissions (5):

Labcorp Genetics (formerly Invitae), Labcorp
Classification: Benign for Diamond-Blackfan anemia. Last evaluated: 2026-01-06. Review status: criteria provided, single submitter. Criteria: Invitae Variant Classification Sherloc (09022015). Collection method: clinical testing. Allele origin: germline.

Blueprint Genetics
Classification: Likely benign. Last evaluated: 2024-11-26. Review status: criteria provided, single submitter. Criteria: ACMG Guidelines, 2015. Collection method: clinical testing. Allele origin: germline.

Fulgent Genetics
Classification: Likely benign for Diamond-Blackfan anemia 7. Last evaluated: 2021-11-24. Review status: criteria provided, single submitter. Criteria: ACMG Guidelines, 2015. Collection method: clinical testing. Allele origin: unknown.

Illumina Laboratory Services, Illumina
Classification: Benign for Diamond-Blackfan anemia 7. Last evaluated: 2018-01-12. Review status: criteria provided, single submitter. Criteria: ICSL Variant Classification Criteria 13 December 2019. Collection method: clinical testing. Allele origin: germline.
Comment: This variant was observed in the ICSL laboratory as part of a predisposition screen in an ostensibly healthy population. It had not been previously curated by ICSL or reported in the Human Gene Mutation Database (HGMD: prior to June 1st, 2018), and was therefore a candidate for classification through an automated scoring system. Utilizing variant allele frequency, disease prevalence and penetrance estimates, and inheritance mode, an automated score was calculated to assess if this variant is too frequent to cause the disease. Based on the score and internal cut-off values, a variant classified as benign is not then subjected to further curation. The score for this variant resulted in a classification of benign for this disease.

Ambry Genetics
Classification: Uncertain significance for Diamond-Blackfan anemia. Last evaluated: 2014-12-23. Review status: criteria provided, single submitter. Criteria: Ambry Variant Classification Scheme 2023. Collection method: clinical testing. Allele origin: germline.
Comment: The c.396+9A>G intronic variant results from an A to G substitution 9 nucleotides after coding exon 4 in the RPL11 gene. This variant was previously reported in the SNPDatabase as rs201786327. Based on data from the NHLBI Exome Sequencing Project (ESP), the G allele has an overall frequency of approximately 0.08% (10/13006) total alleles studied and 0.12% (10/8600) European American alleles. This nucleotide position is well conserved in available vertebrate species. Using the BDGP and ESEfinder splice site prediction tools, this alteration is not predicted to have any significant effect on this donor splice site; however, direct evidence is unavailable. Since supporting evidence is limited at this time, the clinical significance of this variant remains unclear.